The following is an entry in ClinVar:

NM_000395.3(CSF2RB):c.1070G>A (p.Arg357His)

Gene: CSF2RB (colony stimulating factor 2 receptor subunit beta; plus strand). Cytogenetic location: 22q12.3.
Variant type: single nucleotide variant.
Coding change: c.1070G>A on transcript NM_000395.3 (MANE Select); coding-DNA position 1070, G replaced by A.
Protein change: p.Arg357His; replaces arginine 357 with histidine.
Molecular consequence: missense variant.
Genome position (GRCh38, 1-based): chr22:36,932,822, G>A. VCF-style: chr22-36932822-G-A. GRCh37 (hg19) VCF-style: chr22-37328864-G-A.
Other names: short protein forms R357H.
Identifiers: ClinVar variation 1443641 (VCV001443641.7), dbSNP rs140615543, ClinGen allele CA10213688.

ClinVar aggregate classification (germline): Uncertain significance. Review status: criteria provided, multiple submitters, no conflicts (2 of 4 stars). 2 submissions from 2 submitters: Uncertain significance (2). Last evaluated 2026-01-12.

Allele frequency attached by ClinVar (database versions not stated): gnomAD 0.00008 and 0.00009; gnomAD exomes 0.00009; ExAC 0.00011; TOPMed 0.00012; ESP Exome Variant Server 0.00023.
gnomAD v4.1: 120 of 1,613,984 alleles (0.0074%); highest among the groups gnomAD compares: Middle Eastern, 0.016%; no homozygotes.

Submissions (2):

Labcorp Genetics (formerly Invitae), Labcorp
Classification: Uncertain significance. Last evaluated: 2026-01-12. Review status: criteria provided, single submitter. Criteria: Invitae Variant Classification Sherloc (09022015). Collection method: clinical testing. Allele origin: germline.
Comment: This sequence change replaces arginine, which is basic and polar, with histidine, which is basic and polar, at codon 357 of the CSF2RB protein (p.Arg357His). This variant is present in population databases (rs140615543, gnomAD 0.02%). This variant has not been reported in the literature in individuals affected with CSF2RB-related conditions. ClinVar contains an entry for this variant (Variation ID: 1443641). Invitae Evidence Modeling of protein sequence and biophysical properties (such as structural, functional, and spatial information, amino acid conservation, physicochemical variation, residue mobility, and thermodynamic stability) indicates that this missense variant is not expected to disrupt CSF2RB protein function with a negative predictive value of 80%. In summary, the available evidence is currently insufficient to determine the role of this variant in disease. Therefore, it has been classified as a Variant of Uncertain Significance.

Breakthrough Genomics
Classification: Uncertain significance. Review status: criteria provided, single submitter. Criteria: ACMG Guidelines, 2015. Collection method: not provided. Allele origin: germline. Inheritance: Autosomal dominant inheritance. Affected: yes.